The following is an entry in ClinVar:

ClinVar aggregate classification (germline): Uncertain significance. Review status: criteria provided, multiple submitters, no conflicts (2 of 4 stars). 2 submissions from 2 submitters: Uncertain significance (2). Last evaluated 2024-10-01.

Submissions (2):

Blueprint Genetics
Classification: Uncertain significance. Last evaluated: 2024-10-01. Review status: criteria provided, single submitter. Criteria: ACMG Guidelines, 2015. Collection method: clinical testing. Allele origin: germline.

Labcorp Genetics (formerly Invitae), Labcorp
Classification: Uncertain significance. Last evaluated: 2022-05-06. Review status: criteria provided, single submitter. Criteria: Invitae Variant Classification Sherloc (09022015). Collection method: clinical testing. Allele origin: germline.
Comment: This variant, c.1624_1629dup, results in the insertion of 2 amino acid(s) of the SH3PXD2B protein (p.Glu542_Arg543dup), but otherwise preserves the integrity of the reading frame. This variant is present in population databases (rs756705911, gnomAD 0.07%). This variant has not been reported in the literature in individuals affected with SH3PXD2B-related conditions. Experimental studies and prediction algorithms are not available or were not evaluated, and the functional significance of this variant is currently unknown. In summary, the available evidence is currently insufficient to determine the role of this variant in disease. Therefore, it has been classified as a Variant of Uncertain Significance.

NM_001017995.3(SH3PXD2B):c.1612GAGCGG[4] (p.538ER[4])

Gene: SH3PXD2B (SH3 and PX domains 2B; minus strand). Cytogenetic location: 5q35.1.
Variant type: Microsatellite.
Coding change: c.1612GAGCGG[4] on transcript NM_001017995.3 (MANE Select); four copies in a row of the 6-base unit GAGCGG starting at c.1612; the reference has three copies in a row; one copy, 6 bases duplicated.
Protein change: p.538ER[4].
Molecular consequence: inframe insertion. On other transcripts: intron variant (1).
Genome position (GRCh38, 1-based): chr5:172,339,476-172,339,481, CCGCTC duplicated on the plus strand (GAGCGG on the coding strand, the reverse complement: SH3PXD2B is on the minus strand); duplicating any 6 consecutive bases within chr5:172,339,476-172,339,494 gives the same sequence; the position shown is the placement nearest the transcript's 3' end. VCF-style (leftmost placement, unchanged base first): chr5-172339475-G-GCCGCTC. GRCh37 (hg19) VCF-style: chr5-171766479-G-GCCGCTC.
Other names: c.1188+6643GAGCGG[4] (NM_001308175.2).
Identifiers: ClinVar variation 1430213 (VCV001430213.6), dbSNP rs534091900, ClinGen allele CA3561139.
Genomic context (GRCh38, chr5:172,339,475, plus strand): 5'-TCATCGGCAAAATCACGCCCGGAGGCTTGGGAGTGGGGCCCCGGAGCTGCTCCGTCCTCT[G>GCCGCTC]CCGCTCCCGCTCCCGCTCCAGCAGCTCCCCCTCCGACTTGATGATGGATTCTTTCCGCGG-3'